The following is an entry in ClinVar:

NM_005629.4(SLC6A8):c.1596+1G>A

Gene: SLC6A8 (solute carrier family 6 member 8; plus strand). Cytogenetic location: Xq28.
Variant type: single nucleotide variant.
Coding change: c.1596+1G>A on transcript NM_005629.4 (MANE Select); the canonical splice donor site of the intron after coding-DNA position 1596, G replaced by A.
Molecular consequence: splice donor variant.
Genome position (GRCh38, 1-based): chrX:153,694,634, G>A. VCF-style: chrX-153694634-G-A. GRCh37 (hg19) VCF-style: chrX-152960089-G-A.
Other names: NM_001142805.2:c.1566+1G>A; c.1566+1G>A (NM_001142805.2); c.1251+1G>A (NM_001142806.1).
Identifiers: ClinVar variation 5016672 (VCV005016672.1).

ClinVar aggregate classification (germline): Uncertain significance (3 of 4 stars; one submission).

Conditions:
Creatine transporter deficiency (CCDS1). Also called: Mental retardation , X-linked with seizures, short stature and midface hypoplasia; Mental retardation , X-linked, with creatine transport deficiency; X-linked creatine transporter deficiency; X-linked creatine deficiency syndrome; SLC6A8-Related Creatine Transporter Deficiency; CREATINE TRANSPORTER DEFECT. Identifiers: Orphanet 52503, MedGen C1845862, MONDO:0010305, OMIM 300352.

Submission:

ClinGen Cerebral Creatine Deficiency Syndromes Variant Curation Expert Panel, ClinGen
Classification: Uncertain significance for Creatine transporter deficiency. Last evaluated: 2026-09-15. Review status: reviewed by expert panel. Criteria: ClinGen CCDS ACMG Specifications SLC6A8 V2.1. Collection method: curation. Allele origin: germline. Inheritance: X-linked inheritance.
Comment: The NM_005629.4:c.1596+1G>A variant in SLC6A8 is an intronic variant affecting a nucleotide within the consensus splice site of intron 11. The impact of this variant on splicing is unknown. As expected, SpliceAI predicts loss of the donor splice site. However, SpliceAI also predicts the potential use of a donor splice site 9 nucleotides upstream which, if used, would result in the loss of 3 amino acids, in frame, (<10% of the protein) in a gene in which loss-of-function is an established disease mechanism. An alternative possibility is skipping of exon 11, which would result in a frameshift and premature termination codon. To our knowledge, no RNA studies have been done to assess the impact of this variant on splicing (PVS1_Moderate). This variant is absent from gnomAD v4.1.0. (PM2_Supporting). In summary, while there is some suspicion for a pathogenic role, this variant currently meets criteria to be classified as a variant of uncertain significance for creatine transporter deficiency. SLC6A8-specific criteria applied, as specified by the ClinGen Cerebral Creatine Deficiency Syndromes Variant Curation Expert Panel (Specifications Version 2.1.0): PVS1_Moderate, PP4, PM2_Supporting. (Classification approved by the ClinGen Cerebral Creatine Deficiency Syndromes Variant Curation Expert Panel on September 15, 2026)